The following is an entry in ClinVar:

NM_015509.4(NECAP1):c.376C>T (p.His126Tyr)

Gene: NECAP1 (NECAP endocytosis associated 1; plus strand). Cytogenetic location: 12p13.31.
Variant type: single nucleotide variant.
Coding change: c.376C>T on transcript NM_015509.4 (MANE Select); coding-DNA position 376, C replaced by T.
Protein change: p.His126Tyr; replaces histidine 126 with tyrosine.
Molecular consequence: missense variant.
Genome position (GRCh38, 1-based): chr12:8,091,843, C>T. VCF-style: chr12-8091843-C-T. GRCh37 (hg19) VCF-style: chr12-8244439-C-T.
Other names: c.376C>T (NM_015509.3); short protein forms H126Y.
Identifiers: ClinVar variation 1511172 (VCV001511172.5), dbSNP rs775899740, ClinGen allele CA6432247.
Genomic context (GRCh38, chr12:8,091,843, plus strand): 5'-ATTGGCATTGGCTTCACAGATCGGGGAGATGCCTTCGACTTTAATGTCTCCTTGCAGGAT[C>T]ACTTCAAGTGAGTGAAGCTTGTCCTTAGTTACGAGGCTGAATGCTTATAGGAATGCTGCT-3'
Protein context (NP_056324.2, residues 116-136): AFDFNVSLQD[His126Tyr]FKWVKQESEI

ClinVar aggregate classification (germline): Uncertain significance. Review status: criteria provided, multiple submitters, no conflicts (2 of 4 stars). 2 submissions from 2 submitters: Uncertain significance (2). Last evaluated 2023-05-08.

Conditions:
Inborn genetic diseases. Identifiers: MedGen C0950123, MeSH D030342.
Developmental and epileptic encephalopathy, 21 (DEE21). Also called: Early infantile epileptic encephalopathy 21. Identifiers: Orphanet 442835, MedGen C4014430, MONDO:0014360, OMIM 615833.

Allele frequency attached by ClinVar (database versions not stated): gnomAD 0.00001; ExAC 0.00002; gnomAD exomes 0.00002; TOPMed 0.00002.
gnomAD v4.1: 27 of 1,612,774 alleles (0.0017%); highest among the groups gnomAD compares: Non-Finnish European, 0.0022%; no homozygotes.

Submissions (2):

Labcorp Genetics (formerly Invitae), Labcorp
Classification: Uncertain significance for Developmental and epileptic encephalopathy, 21. Last evaluated: 2023-05-08. Review status: criteria provided, single submitter. Criteria: Invitae Variant Classification Sherloc (09022015). Collection method: clinical testing. Allele origin: germline.
Comment: This variant has not been reported in the literature in individuals affected with NECAP1-related conditions. The frequency data for this variant in the population databases is considered unreliable, as metrics indicate poor data quality at this position in the gnomAD database. This sequence change replaces histidine, which is basic and polar, with tyrosine, which is neutral and polar, at codon 126 of the NECAP1 protein (p.His126Tyr). ClinVar contains an entry for this variant (Variation ID: 1511172). In summary, the available evidence is currently insufficient to determine the role of this variant in disease. Therefore, it has been classified as a Variant of Uncertain Significance. An algorithm developed to predict the effect of missense changes on protein structure and function (PolyPhen-2) suggests that this variant is likely to be disruptive.

Ambry Genetics
Classification: Uncertain significance for Inborn genetic diseases. Last evaluated: 2021-11-30. Review status: criteria provided, single submitter. Criteria: Ambry Variant Classification Scheme 2023. Collection method: clinical testing. Allele origin: germline.